The following is an entry in ClinVar:

ClinVar aggregate classification (germline): Uncertain significance. Review status: criteria provided, multiple submitters, no conflicts (2 of 4 stars). 2 submissions from 2 submitters: Uncertain significance (2). Last evaluated 2025-07-16.

Conditions:
Ehlers-Danlos syndrome, spondylodysplastic type, 3. Also called: Ehlers-Danlos syndrome, spondylocheirodysplastic type. Identifiers: Orphanet 157965, MedGen C2676510, MONDO:0012873, OMIM 612350.

Allele frequency attached by ClinVar (database versions not stated): ExAC 0.00001; gnomAD 0.00001; gnomAD exomes 0.00001.
gnomAD v4.1: 24 of 1,613,916 alleles (0.0015%); highest among the groups gnomAD compares: South Asian, 0.0055%; no homozygotes.

Submissions (2):

Women's Health and Genetics/Laboratory Corporation of America, LabCorp
Classification: Uncertain significance. Last evaluated: 2025-07-16. Review status: criteria provided, single submitter. Criteria: LabCorp Variant Classification Summary - May 2015. Collection method: clinical testing. Allele origin: germline.
Comment: Variant summary: SLC39A13 c.1087G>A (p.Val363Met) results in a conservative amino acid change in the encoded protein sequence. Algorithms developed to predict the effect of missense changes on protein structure and function all suggest that this variant is likely to be tolerated. The variant allele was found at a frequency of 1.2e-05 in 251384 control chromosomes. The available data on variant occurrences in the general population are insufficient to allow any conclusion about variant significance. To our knowledge, no occurrence of c.1087G>A in individuals affected with Ehlers-Danlos syndrome, spondylocheirodysplastic type and no experimental evidence demonstrating its impact on protein function have been reported. ClinVar contains an entry for this variant (Variation ID: 934628). Based on the evidence outlined above, the variant was classified as uncertain significance.

Labcorp Genetics (formerly Invitae), Labcorp
Classification: Uncertain significance for Ehlers-Danlos syndrome, spondylodysplastic type, 3. Last evaluated: 2021-08-30. Review status: criteria provided, single submitter. Criteria: Invitae Variant Classification Sherloc (09022015). Collection method: clinical testing. Allele origin: germline.
Comment: This sequence change replaces valine with methionine at codon 363 of the SLC39A13 protein (p.Val363Met). The valine residue is moderately conserved and there is a small physicochemical difference between valine and methionine. This variant is present in population databases (rs772789507, ExAC 0.006%). This variant has not been reported in the literature in individuals affected with SLC39A13-related conditions. Algorithms developed to predict the effect of missense changes on protein structure and function (SIFT, PolyPhen-2, Align-GVGD) all suggest that this variant is likely to be tolerated. In summary, the available evidence is currently insufficient to determine the role of this variant in disease. Therefore, it has been classified as a Variant of Uncertain Significance.

NM_001128225.3(SLC39A13):c.1108G>A (p.Val370Met)

Gene: SLC39A13 (solute carrier family 39 member 13; plus strand). Cytogenetic location: 11p11.2.
Variant type: single nucleotide variant.
Coding change: c.1108G>A on transcript NM_001128225.3 (MANE Select); coding-DNA position 1108, G replaced by A.
Protein change: p.Val370Met; replaces valine 370 with methionine.
Molecular consequence: missense variant. On other transcripts: 3 prime UTR variant (1), non-coding transcript variant (1).
Genome position (GRCh38, 1-based): chr11:47,415,355, G>A. VCF-style: chr11-47415355-G-A. GRCh37 (hg19) VCF-style: chr11-47436906-G-A.
Other names: c.*105G>A (NM_001330245.2); c.1087G>A, p.Val363Met (NM_152264.5); short protein forms V370M, V363M.
Identifiers: ClinVar variation 934628 (VCV000934628.8), dbSNP rs772789507, ClinGen allele CA5976064.